The following is an entry in ClinVar:

ClinVar aggregate classification (germline): Uncertain significance (1 of 4 stars; one submission).

Conditions:
ALG1-congenital disorder of glycosylation. Also called: ALG1-CDG; CDG Ik; CONGENITAL DISORDER OF GLYCOSYLATION, TYPE Ik. Identifiers: Orphanet 79327, MedGen C2931005, MONDO:0012052, OMIM 608540.

Allele frequency attached by ClinVar (database versions not stated): TOPMed 0.00001.

Submission:

Labcorp Genetics (formerly Invitae), Labcorp
Classification: Uncertain significance for ALG1-congenital disorder of glycosylation. Last evaluated: 2022-04-11. Review status: criteria provided, single submitter. Criteria: Invitae Variant Classification Sherloc (09022015). Collection method: clinical testing. Allele origin: germline.
Comment: In summary, the available evidence is currently insufficient to determine the role of this variant in disease. Therefore, it has been classified as a Variant of Uncertain Significance. This sequence change replaces glycine, which is neutral and non-polar, with valine, which is neutral and non-polar, at codon 165 of the ALG1 protein (p.Gly165Val). This variant is not present in population databases (gnomAD no frequency). This variant has not been reported in the literature in individuals affected with ALG1-related conditions. Advanced modeling of protein sequence and biophysical properties (such as structural, functional, and spatial information, amino acid conservation, physicochemical variation, residue mobility, and thermodynamic stability) performed at Invitae indicates that this missense variant is expected to disrupt ALG1 protein function.

NM_019109.5(ALG1):c.494G>T (p.Gly165Val)

Gene: ALG1 (ALG1 chitobiosyldiphosphodolichol beta-mannosyltransferase; plus strand). Cytogenetic location: 16p13.3.
Variant type: single nucleotide variant.
Coding change: c.494G>T on transcript NM_019109.5 (MANE Select); coding-DNA position 494, G replaced by T.
Protein change: p.Gly165Val; replaces glycine 165 with valine.
Molecular consequence: missense variant.
Genome position (GRCh38, 1-based): chr16:5,075,491, G>T. VCF-style: chr16-5075491-G-T. GRCh37 (hg19) VCF-style: chr16-5125492-G-T.
Other names: c.161G>T, p.Gly54Val (NM_001330504.2); short protein forms G165V, G54V.
Identifiers: ClinVar variation 1977396 (VCV001977396.3), dbSNP rs777348829, ClinGen allele CA394680699.